The following is an entry in ClinVar:

NM_001013838.3(CARMIL2):c.1163C>G (p.Ser388Cys)

Gene: CARMIL2 (capping protein regulator and myosin 1 linker 2; plus strand). Cytogenetic location: 16q22.1.
Variant type: single nucleotide variant.
Coding change: c.1163C>G on transcript NM_001013838.3 (MANE Select); coding-DNA position 1163, C replaced by G.
Protein change: p.Ser388Cys; replaces serine 388 with cysteine.
Molecular consequence: missense variant. On other transcripts: intron variant (1).
Genome position (GRCh38, 1-based): chr16:67,648,143, C>G. VCF-style: chr16-67648143-C-G. GRCh37 (hg19) VCF-style: chr16-67682046-C-G.
Other names: c.1149+14C>G (NM_001317026.3); short protein forms S388C.
Identifiers: ClinVar variation 2171744 (VCV002171744.4), dbSNP rs752218473, ClinGen allele CA396335069.

ClinVar aggregate classification (germline): Uncertain significance (1 of 4 stars; one submission).

gnomAD v4.1: 26 of 1,612,366 alleles (0.0016%); highest among the groups gnomAD compares: Non-Finnish European, 0.002%; no homozygotes.

Submission:

Labcorp Genetics (formerly Invitae), Labcorp
Classification: Uncertain significance. Last evaluated: 2022-07-07. Review status: criteria provided, single submitter. Criteria: Invitae Variant Classification Sherloc (09022015). Collection method: clinical testing. Allele origin: germline.
Comment: Algorithms developed to predict the effect of missense changes on protein structure and function are either unavailable or do not agree on the potential impact of this missense change (SIFT: "Deleterious"; PolyPhen-2: "Benign"; Align-GVGD: "Class C0"). In summary, the available evidence is currently insufficient to determine the role of this variant in disease. Therefore, it has been classified as a Variant of Uncertain Significance. This variant has not been reported in the literature in individuals affected with CARMIL2-related conditions. This sequence change replaces serine, which is neutral and polar, with cysteine, which is neutral and slightly polar, at codon 388 of the CARMIL2 protein (p.Ser388Cys). This variant is present in population databases (no rsID available, gnomAD 0.003%).